The following is an entry in ClinVar:

ClinVar aggregate classification (germline): Uncertain significance (1 of 4 stars; one submission).

Conditions:
Glycine encephalopathy. Also called: Nonketotic hyperglycinemia; Non-ketotic hyperglycinemia. Identifiers: Orphanet 407, MedGen C0751748, MONDO:0011612, HP:0008288.

Allele frequency attached by ClinVar (database versions not stated): TOPMed 0.00002; gnomAD 0.00004.
gnomAD v4.1: 22 of 1,613,622 alleles (0.0014%); highest among the groups gnomAD compares: African/African-American, 0.0013%; no homozygotes.

Submission:

Labcorp Genetics (formerly Invitae), Labcorp
Classification: Uncertain significance for Glycine encephalopathy. Last evaluated: 2024-10-23. Review status: criteria provided, single submitter. Criteria: Invitae Variant Classification Sherloc (09022015). Collection method: clinical testing. Allele origin: germline.
Comment: This sequence change replaces valine, which is neutral and non-polar, with methionine, which is neutral and non-polar, at codon 81 of the AMT protein (p.Val81Met). This variant is present in population databases (no rsID available, gnomAD 0.002%). This variant has not been reported in the literature in individuals affected with AMT-related conditions. ClinVar contains an entry for this variant (Variation ID: 2202596). Invitae Evidence Modeling of protein sequence and biophysical properties (such as structural, functional, and spatial information, amino acid conservation, physicochemical variation, residue mobility, and thermodynamic stability) has been performed for this missense variant. However, the output from this modeling did not meet the statistical confidence thresholds required to predict the impact of this variant on AMT protein function. In summary, the available evidence is currently insufficient to determine the role of this variant in disease. Therefore, it has been classified as a Variant of Uncertain Significance.

NM_000481.4(AMT):c.241G>A (p.Val81Met)

Gene: AMT (aminomethyltransferase; minus strand). Cytogenetic location: 3p21.31.
Variant type: single nucleotide variant.
Coding change: c.241G>A on transcript NM_000481.4 (MANE Select); coding-DNA position 241, G replaced by A.
Protein change: p.Val81Met; replaces valine 81 with methionine.
Molecular consequence: missense variant. On other transcripts: non-coding transcript variant (1), intron variant (1).
Genome position (GRCh38, 1-based): chr3:49,422,121, C>T on the plus strand (G>A on the coding strand, the complement: AMT is on the minus strand). VCF-style: chr3-49422121-C-T. GRCh37 (hg19) VCF-style: chr3-49459554-C-T.
Other names: c.241G>A, p.Val81Met (NM_001164710.2, NM_001164712.2); c.90+240G>A (NM_001164711.2); short protein forms V81M.
Identifiers: ClinVar variation 2202596 (VCV002202596.2), dbSNP rs1285568938, ClinGen allele CA352791045.